The following is an entry in ClinVar:

ClinVar aggregate classification (germline): Uncertain significance. Review status: criteria provided, multiple submitters, no conflicts (2 of 4 stars). 3 submissions from 3 submitters: Uncertain significance (3). Last evaluated 2026-03-13.

Conditions:
Inborn genetic diseases. Identifiers: MedGen C0950123, MeSH D030342.

Allele frequency attached by ClinVar (database versions not stated): TOPMed below 0.00001; gnomAD exomes 0.00001; ExAC 0.00003.

Submissions (3):

GeneDx
Classification: Uncertain significance. Last evaluated: 2026-03-13. Review status: criteria provided, single submitter. Criteria: GeneDx Variant Classification Process June 2021. Collection method: clinical testing. Allele origin: germline.
Comment: In silico analysis supports that this missense variant has a deleterious effect on protein structure/function; Has not been previously published as pathogenic or benign to our knowledge

Labcorp Genetics (formerly Invitae), Labcorp
Classification: Uncertain significance. Last evaluated: 2024-02-18. Review status: criteria provided, single submitter. Criteria: Invitae Variant Classification Sherloc (09022015). Collection method: clinical testing. Allele origin: germline.
Comment: This sequence change replaces asparagine, which is neutral and polar, with serine, which is neutral and polar, at codon 1314 of the SNRNP200 protein (p.Asn1314Ser). This variant is present in population databases (rs759870216, gnomAD 0.005%). This variant has not been reported in the literature in individuals affected with SNRNP200-related conditions. ClinVar contains an entry for this variant (Variation ID: 2593939). Advanced modeling of protein sequence and biophysical properties (such as structural, functional, and spatial information, amino acid conservation, physicochemical variation, residue mobility, and thermodynamic stability) has been performed at Invitae for this missense variant, however the output from this modeling did not meet the statistical confidence thresholds required to predict the impact of this variant on SNRNP200 protein function. In summary, the available evidence is currently insufficient to determine the role of this variant in disease. Therefore, it has been classified as a Variant of Uncertain Significance.

Ambry Genetics
Classification: Uncertain significance for Inborn genetic diseases. Last evaluated: 2023-07-25. Review status: criteria provided, single submitter. Criteria: Ambry Variant Classification Scheme 2023. Collection method: clinical testing. Allele origin: germline.

NM_014014.5(SNRNP200):c.3941A>G (p.Asn1314Ser)

Gene: SNRNP200 (small nuclear ribonucleoprotein U5 subunit 200; minus strand). Cytogenetic location: 2q11.2.
Variant type: single nucleotide variant.
Coding change: c.3941A>G on transcript NM_014014.5 (MANE Select); coding-DNA position 3941, A replaced by G.
Protein change: p.Asn1314Ser; replaces asparagine 1314 with serine.
Molecular consequence: missense variant.
Genome position (GRCh38, 1-based): chr2:96,286,373, T>C on the plus strand (A>G on the coding strand, the complement: SNRNP200 is on the minus strand). VCF-style: chr2-96286373-T-C. GRCh37 (hg19) VCF-style: chr2-96952111-T-C.
Other names: short protein forms N1314S.
Identifiers: ClinVar variation 2593939 (VCV002593939.6), dbSNP rs759870216, ClinGen allele CA1778346.